The following is an entry in ClinVar:

NM_015692.5(CPAMD8):c.4455C>T (p.Gly1485=)

Gene: CPAMD8 (C3 and PZP like alpha-2-macroglobulin domain containing 8; minus strand). Cytogenetic location: 19p13.11.
Variant type: single nucleotide variant.
Coding change: c.4455C>T on transcript NM_015692.5 (MANE Select); coding-DNA position 4455, C replaced by T.
Protein change: p.Gly1485=; no amino-acid change (glycine 1485 retained).
Molecular consequence: synonymous variant.
Genome position (GRCh38, 1-based): chr19:16,903,576, G>A on the plus strand (C>T on the coding strand, the complement: CPAMD8 is on the minus strand). VCF-style: chr19-16903576-G-A. GRCh37 (hg19) VCF-style: chr19-17014386-G-A.
Identifiers: ClinVar variation 715595 (VCV000715595.12), dbSNP rs144798490, ClinGen allele CA9284596.

ClinVar aggregate classification (germline): Benign/Likely benign. Review status: criteria provided, multiple submitters, no conflicts (2 of 4 stars). 4 submissions from 4 submitters: Benign (3); Likely benign (1). Last evaluated 2026-03-31.

Conditions:
CPAMD8-related disorder. Also called: CPAMD8-related condition.

Allele frequency attached by ClinVar (database versions not stated): ESP Exome Variant Server 0.00040; gnomAD 0.00046 and 0.00094; TOPMed 0.00079; gnomAD exomes 0.00129 and 0.00235; ExAC 0.00265; 1000 Genomes Project 0.00359; 1000 Genomes Project 30x 0.00359.
gnomAD v4.1: 2,074 of 1,614,136 alleles (0.13%); highest among the groups gnomAD compares: South Asian, 1.4%; 22 homozygotes.

Submissions (4):

PreventionGenetics, part of Exact Sciences
Classification: Benign for CPAMD8-related condition. Last evaluated: 2026-03-31. Review status: criteria provided, single submitter. Criteria: ACMG Guidelines, 2015. Collection method: clinical testing. Allele origin: germline.
Comment: This variant is classified as benign based on ACMG/AMP sequence variant interpretation guidelines (Richards et al. 2015 PMID: 25741868, with internal and published modifications).

Labcorp Genetics (formerly Invitae), Labcorp
Classification: Benign. Last evaluated: 2025-12-15. Review status: criteria provided, single submitter. Criteria: Invitae Variant Classification Sherloc (09022015). Collection method: clinical testing. Allele origin: germline.

Blueprint Genetics
Classification: Likely benign. Last evaluated: 2024-11-28. Review status: criteria provided, single submitter. Criteria: ACMG Guidelines, 2015. Collection method: clinical testing. Allele origin: germline.

Breakthrough Genomics
Classification: Benign. Review status: criteria provided, single submitter. Criteria: ACMG Guidelines, 2015. Collection method: not provided. Allele origin: germline. Inheritance: Autosomal recessive inheritance. Affected: yes.